The following is an entry in ClinVar:

NM_002474.3(MYH11):c.3859-172T>G

Genes: MYH11 (myosin heavy chain 11; minus strand), NDE1 (nudE neurodevelopment protein 1; plus strand). Cytogenetic location: 16p13.11.
Variant type: single nucleotide variant.
Coding change: c.3859-172T>G on transcript NM_002474.3 (MANE Select); 172 bases into the intron before coding-DNA position 3859, T replaced by G.
Molecular consequence: intron variant. On other transcripts: 3 prime UTR variant (2).
Genome position (GRCh38, 1-based): chr16:15,725,164, A>C on the plus strand (T>G on the coding strand, the complement: MYH11 is on the minus strand). VCF-style: chr16-15725164-A-C. GRCh37 (hg19) VCF-style: chr16-15819021-A-C.
Other names: c.*913A>C (NM_001143979.2, NM_017668.3); c.3859-172T>G (NM_022844.3); c.3880-172T>G (NM_001040114.2, NM_001040113.2).
Identifiers: ClinVar variation 318137 (VCV000318137.8), dbSNP rs760024, ClinGen allele CA10647941.

ClinVar aggregate classification (germline): Benign. Review status: criteria provided, multiple submitters, no conflicts (2 of 4 stars). 4 submissions from 3 submitters: Benign (4). Last evaluated 2021-06-20.

Conditions:
Aortic aneurysm, familial thoracic 4 (AAT4). Also called: AORTIC ANEURYSM/AORTIC DISSECTION AND PATENT DUCTUS ARTERIOSUS. Identifiers: MedGen C1851504, MONDO:0007568, OMIM 132900.
Lissencephaly 4 (LIS4). Also called: Lissencephaly 4 (with microcephaly). Identifiers: Orphanet 1083, MedGen C3151461, MONDO:0013527, OMIM 614019.

Allele frequency attached by ClinVar (database versions not stated): gnomAD 0.08447; TOPMed 0.09308; 1000 Genomes Project 0.10843.
gnomAD v4.1: 26,962 of 641,856 alleles (4.2%); highest among the groups gnomAD compares: African/African-American, 25%; 1,947 homozygotes.

Submissions (4):

GeneDx
Classification: Benign. Last evaluated: 2021-06-20. Review status: criteria provided, single submitter. Criteria: GeneDx Variant Classification Process June 2021. Collection method: clinical testing. Allele origin: germline. Affected: yes.

Illumina Laboratory Services, Illumina
Classification: Benign for Lissencephaly 4. Last evaluated: 2018-01-13. Review status: criteria provided, single submitter. Criteria: ICSL Variant Classification Criteria 13 December 2019. Collection method: clinical testing. Allele origin: germline.
Comment: This variant was observed in the ICSL laboratory as part of a predisposition screen in an ostensibly healthy population. It had not been previously curated by ICSL or reported in the Human Gene Mutation Database (HGMD: prior to June 1st, 2018), and was therefore a candidate for classification through an automated scoring system. Utilizing variant allele frequency, disease prevalence and penetrance estimates, and inheritance mode, an automated score was calculated to assess if this variant is too frequent to cause the disease. Based on the score and internal cut-off values, a variant classified as benign is not then subjected to further curation. The score for this variant resulted in a classification of benign for this disease.

Illumina Laboratory Services, Illumina
Classification: Benign for Aortic aneurysm, familial thoracic 4. Last evaluated: 2018-01-12. Review status: criteria provided, single submitter. Criteria: ICSL Variant Classification Criteria 13 December 2019. Collection method: clinical testing. Allele origin: germline.
Comment: the same text as in the submission from Illumina Laboratory Services, Illumina above.

Breakthrough Genomics
Classification: Benign. Review status: criteria provided, single submitter. Criteria: ACMG Guidelines, 2015. Collection method: not provided. Allele origin: germline. Inheritance: Autosomal recessive inheritance. Affected: yes.